The following is an entry in ClinVar:

NM_020928.2(ZSWIM6):c.2468G>A (p.Arg823His)

Gene: ZSWIM6 (zinc finger SWIM-type containing 6; plus strand). Cytogenetic location: 5q12.1.
Variant type: single nucleotide variant.
Coding change: c.2468G>A on transcript NM_020928.2 (MANE Select); coding-DNA position 2468, G replaced by A.
Protein change: p.Arg823His; replaces arginine 823 with histidine.
Molecular consequence: missense variant.
Genome position (GRCh38, 1-based): chr5:61,538,900, G>A. VCF-style: chr5-61538900-G-A. GRCh37 (hg19) VCF-style: chr5-60834727-G-A.
Other names: c.2468G>A (NM_020928.1); short protein forms R823H.
Identifiers: ClinVar variation 1959481 (VCV001959481.6), dbSNP rs1022740420, ClinGen allele CA119663794.

ClinVar aggregate classification (germline): Uncertain significance. Review status: criteria provided, multiple submitters, no conflicts (2 of 4 stars). 2 submissions from 2 submitters: Uncertain significance (2). Last evaluated 2025-11-13.

Conditions:
Inborn genetic diseases. Identifiers: MedGen C0950123, MeSH D030342.

Allele frequency attached by ClinVar (database versions not stated): gnomAD exomes below 0.00001; TOPMed 0.00003; gnomAD 0.00006.
gnomAD v4.1: 14 of 1,552,198 alleles (0.0009%); highest among the groups gnomAD compares: African/African-American, 0.011%; no homozygotes.

Submissions (2):

Ambry Genetics
Classification: Uncertain significance for Inborn genetic diseases. Last evaluated: 2025-11-13. Review status: criteria provided, single submitter. Criteria: Ambry Variant Classification Scheme 2023. Collection method: clinical testing. Allele origin: germline.

Labcorp Genetics (formerly Invitae), Labcorp
Classification: Uncertain significance. Last evaluated: 2022-03-12. Review status: criteria provided, single submitter. Criteria: Invitae Variant Classification Sherloc (09022015). Collection method: clinical testing. Allele origin: germline.
Comment: Algorithms developed to predict the effect of missense changes on protein structure and function are either unavailable or do not agree on the potential impact of this missense change (SIFT: "Tolerated"; PolyPhen-2: "Possibly Damaging"; Align-GVGD: "Class C0"). In summary, the available evidence is currently insufficient to determine the role of this variant in disease. Therefore, it has been classified as a Variant of Uncertain Significance. This variant has not been reported in the literature in individuals affected with ZSWIM6-related conditions. This variant is present in population databases (no rsID available, gnomAD 0.02%). This sequence change replaces arginine, which is basic and polar, with histidine, which is basic and polar, at codon 823 of the ZSWIM6 protein (p.Arg823His).